The following is an entry in ClinVar:

ClinVar aggregate classification (germline): Uncertain significance (1 of 4 stars; one submission).

Submission:

Labcorp Genetics (formerly Invitae), Labcorp
Classification: Uncertain significance. Last evaluated: 2026-01-03. Review status: criteria provided, single submitter. Criteria: Invitae Variant Classification Sherloc (09022015). Collection method: clinical testing. Allele origin: germline.
Comment: This sequence change replaces glutamic acid, which is acidic and polar, with lysine, which is basic and polar, at codon 629 of the ACTN1 protein (p.Glu629Lys). This variant is not present in population databases (gnomAD no frequency). This variant has not been reported in the literature in individuals affected with ACTN1-related conditions. An algorithm developed to predict the effect of missense changes on protein structure and function (PolyPhen-2) suggests that this variant is likely to be disruptive. In summary, the available evidence is currently insufficient to determine the role of this variant in disease. Therefore, it has been classified as a Variant of Uncertain Significance.

NM_001130004.2(ACTN1):c.1885G>A (p.Glu629Lys)

Gene: ACTN1 (actinin alpha 1; minus strand). Cytogenetic location: 14q24.1.
Variant type: single nucleotide variant.
Coding change: c.1885G>A on transcript NM_001130004.2 (MANE Select); coding-DNA position 1885, G replaced by A.
Protein change: p.Glu629Lys; replaces glutamic acid 629 with lysine.
Molecular consequence: missense variant.
Genome position (GRCh38, 1-based): chr14:68,882,526, C>T on the plus strand (G>A on the coding strand, the complement: ACTN1 is on the minus strand). VCF-style: chr14-68882526-C-T. GRCh37 (hg19) VCF-style: chr14-69349243-C-T.
Other names: c.1885G>A, p.Glu629Lys (NM_001102.4, NM_001130005.2, NM_001424012.1 and 2 more transcripts); c.1909G>A, p.Glu637Lys (NM_001411035.1, NM_001424016.1); c.1690G>A, p.Glu564Lys (NM_001411036.1, NM_001424026.1, NM_001424028.1); c.2011G>A, p.Glu671Lys (NM_001424013.1); c.1972G>A, p.Glu658Lys (NM_001424015.1); c.1882G>A, p.Glu628Lys (NM_001424017.1); c.1846G>A, p.Glu616Lys (NM_001424018.1); c.1702G>A, p.Glu568Lys (NM_001424019.1, NM_001424024.1, NM_001424025.1 and 2 more transcripts); and 3 more; short protein forms E354K, E564K, E568K, E606K, E608K, E616K, E628K, E629K.
Identifiers: ClinVar variation 4803976 (VCV004803976.1).